The following is an entry in ClinVar:

ClinVar aggregate classification (germline): Likely pathogenic (1 of 4 stars; one submission).

Conditions:
Fanconi anemia complementation group C (FANCC). Also called: Fanconi anemia, group C; FANCONI PANCYTOPENIA, TYPE 3; FACC; FANCC-Related Fanconi Anemia. Identifiers: Orphanet 84, MedGen C3468041, MONDO:0009213, OMIM 227645.

Submission:

Myriad Genetics, Inc.
Classification: Likely pathogenic for Fanconi anemia complementation group C. Last evaluated: 2019-12-28. Review status: criteria provided, single submitter. Criteria: Myriad Women's Health Autosomal Recessive and X-Linked Classification Criteria (2019). Collection method: clinical testing. Allele origin: unknown.
Comment: NM_000136.2(FANCC):c.661G>T(E221*) is expected to be pathogenic in the context of Fanconi anemia, FANCC-related. This variant is predicted to lead to an abnormal or absent protein product due to the creation of a premature termination codon in FANCC, a gene where loss-of-function variants are known to be pathogenic. Please note: this variant was assessed in the context of healthy population screening.

NM_000136.3(FANCC):c.661G>T (p.Glu221Ter)

Genes: AOPEP (aminopeptidase O (putative); plus strand), FANCC (FA complementation group C; minus strand). Cytogenetic location: 9q22.32.
Variant type: single nucleotide variant.
Coding change: c.661G>T on transcript NM_000136.3 (MANE Select); coding-DNA position 661, G replaced by T.
Protein change: p.Glu221Ter; replaces glutamic acid 221 with a stop codon.
Molecular consequence: nonsense.
Genome position (GRCh38, 1-based): chr9:95,149,948, C>A on the plus strand (G>T on the coding strand, the complement: FANCC is on the minus strand). VCF-style: chr9-95149948-C-A. GRCh37 (hg19) VCF-style: chr9-97912230-C-A.
Other names: c.661G>T, p.Glu221Ter (NM_001243743.2, NM_001243744.2); short protein forms E221*.
Identifiers: ClinVar variation 984290 (VCV000984290.3), dbSNP rs1830059125, ClinGen allele CA374109561.